The following is an entry in ClinVar:

NM_001353345.2(SETD1B):c.2977G>A (p.Glu993Lys)

Gene: SETD1B (SET domain containing 1B, histone lysine methyltransferase; plus strand). Cytogenetic location: 12q24.31.
Variant type: single nucleotide variant.
Coding change: c.2977G>A on transcript NM_001353345.2 (MANE Select); coding-DNA position 2977, G replaced by A.
Protein change: p.Glu993Lys; replaces glutamic acid 993 with lysine.
Molecular consequence: missense variant.
Genome position (GRCh38, 1-based): chr12:121,817,294, G>A. VCF-style: chr12-121817294-G-A. GRCh37 (hg19) VCF-style: chr12-122255200-G-A.
Other names: short protein forms E993K.
Identifiers: ClinVar variation 4538092 (VCV004538092.1).

ClinVar aggregate classification (germline): Uncertain significance (1 of 4 stars; one submission).

gnomAD v4.1: 1 of 1,549,904 alleles (0.000065%); highest among the groups gnomAD compares: Non-Finnish European, 0.000087%; no homozygotes.

Submission:

GeneDx
Classification: Uncertain significance. Last evaluated: 2025-06-11. Review status: criteria provided, single submitter. Criteria: GeneDx Variant Classification Process June 2021. Collection method: clinical testing. Allele origin: germline. Affected: yes.
Comment: Not observed at significant frequency in large population cohorts (gnomAD); In silico analysis suggests that this missense variant does not alter protein structure/function; Has not been previously published as pathogenic or benign to our knowledge